The following is an entry in ClinVar:

ClinVar aggregate classification (germline): Uncertain significance (1 of 4 stars; one submission).

gnomAD v4.1: 1 of 1,614,244 alleles (0.000062%); highest among the groups gnomAD compares: East Asian, 0.0022%; no homozygotes.

Submission:

CeGaT Center for Human Genetics Tuebingen
Classification: Uncertain significance. Last evaluated: 2026-06-01. Review status: criteria provided, single submitter. Criteria: CeGaT Center For Human Genetics Tuebingen Variant Classification Criteria Version 2. Collection method: clinical testing. Allele origin: germline. Affected: yes. Observed: 1 variant allele.
Comment: SYNE1: PM2, BP4

NM_182961.4(SYNE1):c.15578C>T (p.Thr5193Ile)

Gene: SYNE1 (spectrin repeat containing nuclear envelope protein 1; minus strand). Cytogenetic location: 6q25.2.
Variant type: single nucleotide variant.
Coding change: c.15578C>T on transcript NM_182961.4 (MANE Select); coding-DNA position 15578, C replaced by T.
Protein change: p.Thr5193Ile; replaces threonine 5193 with isoleucine.
Molecular consequence: missense variant.
Genome position (GRCh38, 1-based): chr6:152,325,163, G>A on the plus strand (C>T on the coding strand, the complement: SYNE1 is on the minus strand). VCF-style: chr6-152325163-G-A. GRCh37 (hg19) VCF-style: chr6-152646298-G-A.
Other names: c.15365C>T, p.Thr5122Ile (NM_033071.5); short protein forms T5122I, T5193I.
Identifiers: ClinVar variation 4873610 (VCV004873610.2).